The following is an entry in ClinVar:

ClinVar aggregate classification (germline): Conflicting classifications of pathogenicity. Review status: criteria provided, conflicting classifications (1 of 4 stars). 3 submissions from 3 submitters: Uncertain significance (2); Likely benign (1). Last evaluated 2024-09-20.

Conditions:
Neuronal ceroid lipofuscinosis 11. Also called: GRN-Related Neuronal Ceroid-Lipofuscinosis. Identifiers: Orphanet 314629, Orphanet 79262, MedGen C3539123, MONDO:0013866, OMIM 614706.
GRN-related frontotemporal lobar degeneration with Tdp43 inclusions (FTD2). Also called: DEMENTIA, HEREDITARY DYSPHASIC DISINHIBITION; FRONTOTEMPORAL LOBAR DEGENERATION WITH UBIQUITIN-POSITIVE INCLUSIONS; FTLD-TDP, GRN-RELATED; GRN Frontotemporal Dementia; FRONTOTEMPORAL DEMENTIA WITH TDP43 INCLUSIONS, GRN-RELATED. Identifiers: Orphanet 100070, Orphanet 282, MedGen C1843792, MONDO:0011842, OMIM 607485. Disease mechanism: loss of function.

Allele frequency attached by ClinVar (database versions not stated): TOPMed 0.00002; gnomAD 0.00003 and 0.00005; gnomAD exomes 0.00009; ExAC 0.00011.
gnomAD v4.1: 120 of 1,614,030 alleles (0.0074%); highest among the groups gnomAD compares: East Asian, 0.27%; no homozygotes.

Submissions (3):

3billion
Classification: Likely benign for Neuronal ceroid lipofuscinosis 11. Last evaluated: 2024-09-20. Review status: criteria provided, single submitter. Criteria: ACMG Guidelines, 2015. Collection method: clinical testing. Allele origin: germline. Affected: no.
Comment: The homozygous variant was found in patients diagnosed with another variant in a different gene, with no symptoms related to the gene containing the homozygous variant.

Labcorp Genetics (formerly Invitae), Labcorp
Classification: Uncertain significance for Neuronal ceroid lipofuscinosis 11; GRN-related frontotemporal lobar degeneration with Tdp43 inclusions. Last evaluated: 2024-07-16. Review status: criteria provided, single submitter. Criteria: Invitae Variant Classification Sherloc (09022015). Collection method: clinical testing. Allele origin: germline.
Comment: This sequence change replaces cysteine, which is neutral and slightly polar, with serine, which is neutral and polar, at codon 221 of the GRN protein (p.Cys221Ser). This variant is present in population databases (rs758322775, gnomAD 0.1%). This missense change has been observed in individual(s) with clinical features of GRN-related conditions (PMID: 29339765, 35085262). ClinVar contains an entry for this variant (Variation ID: 935555). Advanced modeling of protein sequence and biophysical properties (such as structural, functional, and spatial information, amino acid conservation, physicochemical variation, residue mobility, and thermodynamic stability) performed at Invitae indicates that this missense variant is expected to disrupt GRN protein function with a positive predictive value of 80%. In summary, the available evidence is currently insufficient to determine the role of this variant in disease. Therefore, it has been classified as a Variant of Uncertain Significance.

Fulgent Genetics
Classification: Uncertain significance for GRN-related frontotemporal lobar degeneration with Tdp43 inclusions; Neuronal ceroid lipofuscinosis 11. Last evaluated: 2024-03-14. Review status: criteria provided, single submitter. Criteria: ACMG Guidelines, 2015. Collection method: clinical testing. Allele origin: germline.

Literature cited by the submitters: PubMed 29339765 (cited by Labcorp Genetics (formerly Invitae), Labcorp); PubMed 35085262 (cited by Labcorp Genetics (formerly Invitae), Labcorp).

NM_002087.4(GRN):c.662G>C (p.Cys221Ser)

Gene: GRN (granulin precursor; plus strand). Cytogenetic location: 17q21.31.
Variant type: single nucleotide variant.
Coding change: c.662G>C on transcript NM_002087.4 (MANE Select); coding-DNA position 662, G replaced by C.
Protein change: p.Cys221Ser; replaces cysteine 221 with serine.
Molecular consequence: missense variant.
Genome position (GRCh38, 1-based): chr17:44,350,754, G>C. VCF-style: chr17-44350754-G-C. GRCh37 (hg19) VCF-style: chr17-42428122-G-C.
Other names: short protein forms C221S.
Identifiers: ClinVar variation 935555 (VCV000935555.10), dbSNP rs758322775, ClinGen allele CA8601967.